The following is an entry in ClinVar:

ClinVar aggregate classification (germline): Conflicting classifications of pathogenicity. Review status: criteria provided, conflicting classifications (1 of 4 stars). 8 submissions from 8 submitters: Uncertain significance (1); Benign (1); Likely benign (4). 2 of the submissions do not count toward it. Last evaluated 2025-12-16.

Conditions:
Retinal dystrophy. Also called: Inherited retinal dystrophy. Identifiers: Orphanet 71862, MedGen C0854723, MeSH D058499, MONDO:0019118, HP:0000556.
Retinitis pigmentosa (RP). Identifiers: Orphanet 791, MedGen C0035334, MeSH D012174, MONDO:0019200, OMIM 268000. Inheritance: Autosomal dominant, autosomal recessive and X linked inheritance.

Allele frequency attached by ClinVar (database versions not stated): gnomAD 0.00019; ESP Exome Variant Server 0.00023; TOPMed 0.00028; 1000 Genomes Project 0.00040; 1000 Genomes Project 30x 0.00047.

Submissions (8):

Labcorp Genetics (formerly Invitae), Labcorp
Classification: Likely benign. Last evaluated: 2025-12-16. Review status: criteria provided, single submitter. Criteria: Invitae Variant Classification Sherloc (09022015). Collection method: clinical testing. Allele origin: germline.

Blueprint Genetics
Classification: Likely benign. Last evaluated: 2024-11-11. Review status: criteria provided, single submitter. Criteria: ACMG Guidelines, 2015. Collection method: clinical testing. Allele origin: germline.

Dept Of Ophthalmology, Nagoya University
Classification: Benign for Retinal dystrophy. Last evaluated: 2023-10-01. Review status: criteria provided, single submitter. Criteria: Submitter's publication. Collection method: research. Allele origin: germline. Affected: yes.

CeGaT Center for Human Genetics Tuebingen
Classification: Likely benign. Last evaluated: 2023-04-01. Review status: criteria provided, single submitter. Criteria: CeGaT Center For Human Genetics Tuebingen Variant Classification Criteria Version 2. Collection method: clinical testing. Allele origin: germline. Affected: yes. Observed: 1 variant allele.
Comment: CA4: BP4, BP7

Illumina Laboratory Services, Illumina
Classification: Uncertain significance for Retinitis pigmentosa. Last evaluated: 2018-01-13. Review status: criteria provided, single submitter. Criteria: ICSL Variant Classification Criteria 13 December 2019. Collection method: clinical testing. Allele origin: germline.

ARUP Laboratories, Molecular Genetics and Genomics, ARUP Laboratories
Classification: Likely benign. Last evaluated: 2017-05-29. Review status: criteria provided, single submitter. Criteria: ARUP Molecular Germline Variant Investigation Process. Collection method: clinical testing. Allele origin: germline.
Comment: The CA4 c.258C>T;p.Asn86Asn variant has not been described in the medical literature or in gene-specific databases. The variant is listed in the ClinVar database (Variation ID: 324229) and the dbSNP variant database (rs185476073) with an allele frequency of 0.0231 percent in the Exome Variant Server and 0.01325 percent in the Genome Aggregation Database. The nucleotide at this position is not conserved across species (SpliceSiteFinder-like, MaxEntScan, NNSplice, GeneSplicer, Human Splicing Finder) do not predict a significant change to splicing. Considering available information, this variant is classified as likely benign.

Clinical Genetics DNA and cytogenetics Diagnostics Lab, Erasmus MC, Erasmus Medical Center
Classification: Likely benign. Review status: no assertion criteria provided. Collection method: clinical testing. Allele origin: germline. Affected: yes. Study: VKGL Data-share Consensus. Not counted in ClinVar's aggregate classification.

Clinical Genetics, Academic Medical Center
Classification: Benign. Review status: no assertion criteria provided. Collection method: clinical testing. Allele origin: germline. Affected: yes. Study: VKGL Data-share Consensus. Not counted in ClinVar's aggregate classification.

NM_000717.5(CA4):c.258C>T (p.Asn86=)

Gene: CA4 (carbonic anhydrase 4; plus strand). Cytogenetic location: 17q23.1.
Variant type: single nucleotide variant.
Coding change: c.258C>T on transcript NM_000717.5 (MANE Select); coding-DNA position 258, C replaced by T.
Protein change: p.Asn86=; no amino-acid change (asparagine 86 retained).
Molecular consequence: synonymous variant. On other transcripts: non-coding transcript variant (1).
Genome position (GRCh38, 1-based): chr17:60,156,705, C>T. VCF-style: chr17-60156705-C-T. GRCh37 (hg19) VCF-style: chr17-58234066-C-T.
Identifiers: ClinVar variation 324229 (VCV000324229.48), dbSNP rs185476073, ClinGen allele CA8685274.